The following is an entry in ClinVar:

NM_000059.4(BRCA2):c.7008-3C>T

Gene: BRCA2 (BRCA2 DNA repair associated; plus strand). Cytogenetic location: 13q13.1.
Variant type: single nucleotide variant.
Coding change: c.7008-3C>T on transcript NM_000059.4 (MANE Select); 3 bases into the intron before coding-DNA position 7008, C replaced by T.
Molecular consequence: intron variant.
Genome position (GRCh38, 1-based): chr13:32,354,858, C>T. VCF-style: chr13-32354858-C-T. GRCh37 (hg19) VCF-style: chr13-32928995-C-T.
Identifiers: ClinVar variation 231238 (VCV000231238.9), dbSNP rs876659044, ClinGen allele CA10579718.

ClinVar aggregate classification (germline): Uncertain significance. Review status: criteria provided, multiple submitters, no conflicts (2 of 4 stars). 3 submissions from 3 submitters: Uncertain significance (3). Last evaluated 2024-02-15.

Conditions:
Hereditary cancer-predisposing syndrome. Also called: Neoplastic Syndromes, Hereditary; Tumor predisposition; Hereditary Cancer Syndrome; Hereditary neoplastic syndrome. Identifiers: Orphanet 140162, MedGen C0027672, MeSH D009386, MONDO:0015356.
Hereditary breast ovarian cancer syndrome. Also called: BRCA1- and BRCA2-Associated Hereditary Breast and Ovarian Cancer; Hereditary breast and ovarian cancer syndrome; Hereditary breast and ovarian cancer; Hereditary breast and ovarian cancer syndrome (HBOC); Breast and ovarian cancer; Hereditary breast and/or ovarian cancer syndrome. Identifiers: Orphanet 145, MedGen C0677776, MeSH D061325, MONDO:0003582. Disease mechanism: loss of function.

Submissions (3):

Labcorp Genetics (formerly Invitae), Labcorp
Classification: Uncertain significance for Hereditary breast ovarian cancer syndrome. Last evaluated: 2024-02-15. Review status: criteria provided, single submitter. Criteria: Invitae Variant Classification Sherloc (09022015). Collection method: clinical testing. Allele origin: germline.
Comment: This sequence change falls in intron 13 of the BRCA2 gene. It does not directly change the encoded amino acid sequence of the BRCA2 protein. It affects a nucleotide within the consensus splice site. This variant is not present in population databases (gnomAD no frequency). This variant has not been reported in the literature in individuals affected with BRCA2-related conditions. ClinVar contains an entry for this variant (Variation ID: 231238). Variants that disrupt the consensus splice site are a relatively common cause of aberrant splicing (PMID: 17576681, 9536098). Algorithms developed to predict the effect of sequence changes on RNA splicing suggest that this variant is not likely to affect RNA splicing. In summary, the available evidence is currently insufficient to determine the role of this variant in disease. Therefore, it has been classified as a Variant of Uncertain Significance.

Ambry Genetics
Classification: Uncertain significance for Hereditary cancer-predisposing syndrome. Last evaluated: 2022-05-25. Review status: criteria provided, single submitter. Criteria: Ambry Variant Classification Scheme 2023. Collection method: clinical testing. Allele origin: germline.
Comment: The c.7008-3C>T intronic variant results from a C to T substitution 3 nucleotides upstream from coding exon 13 in the BRCA2 gene. This nucleotide position is poorly conserved in available vertebrate species. In silico splice site analysis predicts that this alteration will not have any significant effect on splicing. Since supporting evidence is limited at this time, the clinical significance of this alteration remains unclear.

Color Diagnostics, LLC DBA Color Health
Classification: Uncertain significance for Hereditary cancer-predisposing syndrome. Last evaluated: 2019-06-08. Review status: criteria provided, single submitter. Criteria: ACMG Guidelines, 2015. Collection method: clinical testing. Allele origin: germline.

Literature cited by the submitters: PubMed 17576681 (cited by Labcorp Genetics (formerly Invitae), Labcorp); PubMed 9536098 (cited by Labcorp Genetics (formerly Invitae), Labcorp).